The following is an entry in ClinVar:

NM_033337.2(CAV3):c.-184G>T

Gene: CAV3 (caveolin 3; plus strand). Cytogenetic location: 3p25.3.
Variant type: single nucleotide variant.
Coding change: c.-184G>T on transcript NM_033337.2; 184 bases upstream of the start codon, G replaced by T.
Genome position (GRCh38, 1-based): chr3:8,733,693, G>T. VCF-style: chr3-8733693-G-T. GRCh37 (hg19) VCF-style: chr3-8775379-G-T.
Identifiers: ClinVar variation 671893 (VCV000671893.4), dbSNP rs2072582, ClinGen allele CA11396507.

ClinVar aggregate classification (germline): Benign. Review status: criteria provided, multiple submitters, no conflicts (2 of 4 stars). 2 submissions from 2 submitters: Benign (2). Last evaluated 2018-06-14.

Allele frequency attached by ClinVar (database versions not stated): TOPMed 0.17557; 1000 Genomes Project 30x 0.23142; gnomAD 0.18559 and 0.17957; 1000 Genomes Project 0.23982; gnomAD exomes 0.20085.

Submissions (2):

GeneDx
Classification: Benign. Last evaluated: 2018-06-14. Review status: criteria provided, single submitter. Criteria: GeneDx Variant Classification (06012015). Collection method: clinical testing. Allele origin: germline. Affected: yes.
Comment: This variant is considered likely benign or benign based on one or more of the following criteria: it is a conservative change, it occurs at a poorly conserved position in the protein, it is predicted to be benign by multiple in silico algorithms, and/or has population frequency not consistent with disease.

Breakthrough Genomics
Classification: Benign. Review status: criteria provided, single submitter. Criteria: ACMG Guidelines, 2015. Collection method: not provided. Allele origin: germline. Inheritance: Autosomal dominant inheritance. Affected: yes.